The following is an entry in ClinVar:

ClinVar aggregate classification (germline): Benign/Likely benign. Review status: criteria provided, multiple submitters, no conflicts (2 of 4 stars). 5 submissions from 5 submitters: Benign (1); Likely benign (4). Last evaluated 2025-08-11.

Conditions:
Familial thoracic aortic aneurysm and aortic dissection (TAAD). Also called: Thoracic aortic aneurysms and dissections. Identifiers: Orphanet 91387, MedGen C4707243, MONDO:0019625.
Marfan syndrome (MFS). Also called: Marfan syndrome, classic; Marfan syndrome type 1; Marfan's syndrome; MARFAN SYNDROME, TYPE I; FBN1-Related Marfan Syndrome. Identifiers: Orphanet 284963, Orphanet 558, MedGen C0024796, MONDO:0007947, OMIM 154700.

Allele frequency attached by ClinVar (database versions not stated): TOPMed 0.00012; gnomAD exomes 0.00001 and 0.00002; ESP Exome Variant Server 0.00015; ExAC 0.00002; gnomAD 0.00009 and 0.00011.
gnomAD v4.1: 36 of 1,613,926 alleles (0.0022%); highest among the groups gnomAD compares: African/African-American, 0.033%; no homozygotes.

Submissions (5):

Labcorp Genetics (formerly Invitae), Labcorp
Classification: Likely benign for Marfan syndrome; Familial thoracic aortic aneurysm and aortic dissection. Last evaluated: 2025-08-11. Review status: criteria provided, single submitter. Criteria: Invitae Variant Classification Sherloc (09022015). Collection method: clinical testing. Allele origin: germline.

All of Us Research Program, National Institutes of Health
Classification: Likely benign for Marfan syndrome. Last evaluated: 2024-08-06. Review status: criteria provided, single submitter. Criteria: ACMG Guidelines, 2015. Collection method: clinical testing. Allele origin: germline. Inheritance: Autosomal dominant inheritance. Observed: 4 variant alleles, 4 heterozygotes.
Comment: This study involves interpretation of variants in research participants for the purpose of population health screening. Participant phenotype was not available at the time of variant classification. Additional details can be found in publication PMID: 35346344, PMCID: PMC8962531

Blueprint Genetics
Classification: Likely benign. Last evaluated: 2023-03-21. Review status: criteria provided, single submitter. Criteria: ACMG Guidelines, 2015. Collection method: clinical testing. Allele origin: germline.

Color Diagnostics, LLC DBA Color Health
Classification: Likely benign for Familial thoracic aortic aneurysm and aortic dissection. Last evaluated: 2018-11-16. Review status: criteria provided, single submitter. Criteria: ACMG Guidelines, 2015. Collection method: clinical testing. Allele origin: germline.

GeneDx
Classification: Benign. Last evaluated: 2016-02-29. Review status: criteria provided, single submitter. Criteria: GeneDx Variant Classification (06012015). Collection method: clinical testing. Allele origin: germline. Affected: yes.
Comment: This variant is considered likely benign or benign based on one or more of the following criteria: it is a conservative change, it occurs at a poorly conserved position in the protein, it is predicted to be benign by multiple in silico algorithms, and/or has population frequency not consistent with disease.

NM_000138.5(FBN1):c.1838-6C>T

Gene: FBN1 (fibrillin 1; minus strand). Cytogenetic location: 15q21.1.
Variant type: single nucleotide variant.
Coding change: c.1838-6C>T on transcript NM_000138.5 (MANE Select); 6 bases into the intron before coding-DNA position 1838, C replaced by T.
Molecular consequence: intron variant.
Genome position (GRCh38, 1-based): chr15:48,505,153, G>A on the plus strand (C>T on the coding strand, the complement: FBN1 is on the minus strand). VCF-style: chr15-48505153-G-A. GRCh37 (hg19) VCF-style: chr15-48797350-G-A.
Identifiers: ClinVar variation 377859 (VCV000377859.16), dbSNP rs374629233, ClinGen allele CA046128.
Genomic context (GRCh38, chr15:48,505,153, plus strand): 5'-GTGTTGACGCAACGCCCATTCATGCAGATCCCAGGGGTTTCACACTCGTTAATGTCTGTG[G>A]CAGAGAAAGGCACTTATTAAAAATGAAGTGACATTTATCTAAAATTATAACATGTTGACA-3'